The following is an entry in ClinVar:

ClinVar aggregate classification (germline): Uncertain significance (1 of 4 stars; one submission).

Conditions:
Kabuki syndrome. Also called: NIIKAWA-KUROKI SYNDROME; Kabuki make-up syndrome. Identifiers: Orphanet 2322, MedGen C0796004, MONDO:0016512.

Submission:

Labcorp Genetics (formerly Invitae), Labcorp
Classification: Uncertain significance for Kabuki syndrome. Last evaluated: 2023-02-24. Review status: criteria provided, single submitter. Criteria: Invitae Variant Classification Sherloc (09022015). Collection method: clinical testing. Allele origin: germline.
Comment: In summary, the available evidence is currently insufficient to determine the role of this variant in disease. Therefore, it has been classified as a Variant of Uncertain Significance. Advanced modeling of protein sequence and biophysical properties (such as structural, functional, and spatial information, amino acid conservation, physicochemical variation, residue mobility, and thermodynamic stability) has been performed at Invitae for this missense variant, however the output from this modeling did not meet the statistical confidence thresholds required to predict the impact of this variant on KMT2D protein function. This variant has not been reported in the literature in individuals affected with KMT2D-related conditions. This variant is not present in population databases (gnomAD no frequency). This sequence change replaces leucine, which is neutral and non-polar, with proline, which is neutral and non-polar, at codon 4502 of the KMT2D protein (p.Leu4502Pro).

NM_003482.4(KMT2D):c.13505T>C (p.Leu4502Pro)

Gene: KMT2D (lysine methyltransferase 2D; minus strand). Cytogenetic location: 12q13.12.
Variant type: single nucleotide variant.
Coding change: c.13505T>C on transcript NM_003482.4 (MANE Select); coding-DNA position 13505, T replaced by C.
Protein change: p.Leu4502Pro; replaces leucine 4502 with proline.
Molecular consequence: missense variant.
Genome position (GRCh38, 1-based): chr12:49,031,200, A>G on the plus strand (T>C on the coding strand, the complement: KMT2D is on the minus strand). VCF-style: chr12-49031200-A-G. GRCh37 (hg19) VCF-style: chr12-49424983-A-G.
Other names: short protein forms L4502P.
Identifiers: ClinVar variation 2827429 (VCV002827429.3), dbSNP rs2498349662, ClinGen allele CA384703980.